The following is an entry in ClinVar:

ClinVar aggregate classification (germline): Uncertain significance. Review status: criteria provided, multiple submitters, no conflicts (2 of 4 stars). 2 submissions from 2 submitters: Uncertain significance (2). Last evaluated 2023-10-13.

Conditions:
Severe combined immunodeficiency due to DNA-PKcs deficiency. Also called: IMMUNODEFICIENCY 26 WITH NEUROLOGIC ABNORMALITIES; Immunodeficiency 26 with or without neurologic abnormalities. Identifiers: Orphanet 317425, MedGen C4014833, MONDO:0014423, OMIM 615966.

Allele frequency attached by ClinVar (database versions not stated): gnomAD exomes below 0.00001; TOPMed 0.00001.
gnomAD v4.1: 3 of 1,609,522 alleles (0.00019%); highest among the groups gnomAD compares: Admixed American, 0.0017%; no homozygotes.

Submissions (2):

Labcorp Genetics (formerly Invitae), Labcorp
Classification: Uncertain significance for Severe combined immunodeficiency due to DNA-PKcs deficiency. Last evaluated: 2023-10-13. Review status: criteria provided, single submitter. Criteria: Invitae Variant Classification Sherloc (09022015). Collection method: clinical testing. Allele origin: germline.
Comment: This sequence change replaces arginine, which is basic and polar, with threonine, which is neutral and polar, at codon 899 of the PRKDC protein (p.Arg899Thr). The frequency data for this variant in the population databases is considered unreliable, as metrics indicate poor data quality at this position in the gnomAD database. This variant has not been reported in the literature in individuals affected with PRKDC-related conditions. ClinVar contains an entry for this variant (Variation ID: 1018129). Advanced modeling of protein sequence and biophysical properties (such as structural, functional, and spatial information, amino acid conservation, physicochemical variation, residue mobility, and thermodynamic stability) performed at Invitae indicates that this missense variant is not expected to disrupt PRKDC protein function. In summary, the available evidence is currently insufficient to determine the role of this variant in disease. Therefore, it has been classified as a Variant of Uncertain Significance.

Ambry Genetics
Classification: Uncertain significance. Last evaluated: 2022-06-11. Review status: criteria provided, single submitter. Criteria: Ambry Variant Classification Scheme 2023. Collection method: clinical testing. Allele origin: germline.
Comment: The p.R899T variant (also known as c.2696G>C), located in coding exon 24 of the PRKDC gene, results from a G to C substitution at nucleotide position 2696. The arginine at codon 899 is replaced by threonine, an amino acid with similar properties. This amino acid position is conserved. In addition, this alteration is predicted to be tolerated by in silico analysis. Since supporting evidence is limited at this time, the clinical significance of this alteration remains unclear.

NM_006904.7(PRKDC):c.2696G>C (p.Arg899Thr)

Gene: PRKDC (protein kinase, DNA-activated, catalytic subunit; minus strand). Cytogenetic location: 8q11.21.
Variant type: single nucleotide variant.
Coding change: c.2696G>C on transcript NM_006904.7 (MANE Select); coding-DNA position 2696, G replaced by C.
Protein change: p.Arg899Thr; replaces arginine 899 with threonine.
Molecular consequence: missense variant.
Genome position (GRCh38, 1-based): chr8:47,913,986, C>G on the plus strand (G>C on the coding strand, the complement: PRKDC is on the minus strand). VCF-style: chr8-47913986-C-G. GRCh37 (hg19) VCF-style: chr8-48826546-C-G.
Other names: c.2696G>C, p.Arg899Thr (NM_001081640.2); short protein forms R899T.
Identifiers: ClinVar variation 1018129 (VCV001018129.8), dbSNP rs1355266531, ClinGen allele CA371159323.